The following is an entry in ClinVar:

ClinVar aggregate classification (germline): Uncertain significance (0 of 4 stars; one submission).

Conditions:
INTU-related disorder. Also called: INTU-related condition.

gnomAD v4.1: 4 of 1,605,166 alleles (0.00025%); highest among the groups gnomAD compares: Non-Finnish European, 0.00034%; no homozygotes.

Submission:

PreventionGenetics, part of Exact Sciences
Classification: Uncertain significance for INTU-related condition. Last evaluated: 2024-06-26. Review status: no assertion criteria provided. Collection method: clinical testing. Allele origin: germline.
Comment: The INTU c.1260-1G>T variant is predicted to disrupt the AG splice acceptor site and interfere with normal splicing. To our knowledge, this variant has not been reported in the literature or in a large population database, indicating this variant is rare. Although we suspect that this variant may be pathogenic, at this time, the clinical significance of this variant is uncertain due to the absence of conclusive functional and genetic evidence.

NM_015693.4(INTU):c.1260-1G>T

Genes: INTU (inturned planar cell polarity protein; plus strand), LOC126807151 (CDK7 strongly-dependent group 2 enhancer GRCh37_chr4:128607842-128609041; plus strand). Cytogenetic location: 4q28.1.
Variant type: single nucleotide variant.
Coding change: c.1260-1G>T on transcript NM_015693.4 (MANE Select); the canonical splice acceptor site of the intron before coding-DNA position 1260, G replaced by T.
Molecular consequence: splice acceptor variant.
Genome position (GRCh38, 1-based): chr4:127,687,677, G>T. VCF-style: chr4-127687677-G-T. GRCh37 (hg19) VCF-style: chr4-128608832-G-T.
Identifiers: ClinVar variation 3347041 (VCV003347041.1).
Genomic context (GRCh38, chr4:127,687,677, plus strand): 5'-CACACAAAAAATGACCACCATTTCCATATGTCGTTCTAACTTACAGCTCTTATTTCTCCA[G>T]TGCCTTTTGCCAGATTGAGAATGTTCCTCGTTTGGATCATTTTTTTAACTTGTTCTTTCA-3'